The following is an entry in ClinVar:

ClinVar aggregate classification (germline): Uncertain significance (1 of 4 stars; one submission).

Conditions:
Ehlers-Danlos syndrome, classic type, 1 (EDSCL1). Also called: EDS I; EHLERS-DANLOS SYNDROME, GRAVIS TYPE; EHLERS-DANLOS SYNDROME, SEVERE CLASSIC TYPE; Ehlers-Danlos syndrome, type 1; Ehlers-Danlos Syndrome, Classic Type, COL5A1-Related. Identifiers: MedGen C0268335, MONDO:0019567, OMIM 130000.

gnomAD v4.1: 1 of 1,613,044 alleles (0.000062%); highest among the groups gnomAD compares: Non-Finnish European, 0.000085%; no homozygotes.

Submission:

Labcorp Genetics (formerly Invitae), Labcorp
Classification: Uncertain significance for Ehlers-Danlos syndrome, classic type, 1. Last evaluated: 2023-10-08. Review status: criteria provided, single submitter. Criteria: Invitae Variant Classification Sherloc (09022015). Collection method: clinical testing. Allele origin: germline.
Comment: This sequence change replaces glycine, which is neutral and non-polar, with valine, which is neutral and non-polar, at codon 573 of the COL5A2 protein (p.Gly573Val). This variant is not present in population databases (gnomAD no frequency). This variant has not been reported in the literature in individuals affected with COL5A2-related conditions. An algorithm developed to predict the effect of missense changes on protein structure and function (PolyPhen-2) suggests that this variant is likely to be disruptive. In summary, the available evidence is currently insufficient to determine the role of this variant in disease. Therefore, it has been classified as a Variant of Uncertain Significance.

NM_000393.5(COL5A2):c.1718G>T (p.Gly573Val)

Gene: COL5A2 (collagen type V alpha 2 chain; minus strand). Cytogenetic location: 2q32.2.
Variant type: single nucleotide variant.
Coding change: c.1718G>T on transcript NM_000393.5 (MANE Select); coding-DNA position 1718, G replaced by T.
Protein change: p.Gly573Val; replaces glycine 573 with valine.
Molecular consequence: missense variant.
Genome position (GRCh38, 1-based): chr2:189,064,032, C>A on the plus strand (G>T on the coding strand, the complement: COL5A2 is on the minus strand). VCF-style: chr2-189064032-C-A. GRCh37 (hg19) VCF-style: chr2-189928758-C-A.
Other names: short protein forms G573V.
Identifiers: ClinVar variation 2882537 (VCV002882537.3), dbSNP rs2469298490, ClinGen allele CA349880557.
Genomic context (GRCh38, chr2:189,064,032, plus strand): 5'-TTACTTACCAAAGGTCCAAGTTTTCCTTCAGGACCTTGAACACCAGGATTTCCTGTCAAA[C>A]CCTGAAAATAAAAAACCAACTGTCAGTTTGTTGCTGATATGCAGTTGAAGTAAAGATTCT-3'
Protein context (NP_000384.2, residues 563-583): PGEPGLPGAR[Gly573Val]LTGNPGVQGP